The following is an entry in ClinVar:

ClinVar aggregate classification (germline): Conflicting classifications of pathogenicity. Review status: criteria provided, conflicting classifications (1 of 4 stars). 2 submissions from 2 submitters: Uncertain significance (1); Likely benign (1). Last evaluated 2023-03-23.

Conditions:
Hereditary breast ovarian cancer syndrome. Also called: Hereditary breast and ovarian cancer syndrome; BRCA1- and BRCA2-Associated Hereditary Breast and Ovarian Cancer; Hereditary breast and/or ovarian cancer syndrome; Hereditary breast and ovarian cancer; Hereditary breast and ovarian cancer syndrome (HBOC); Breast and ovarian cancer. Identifiers: Orphanet 145, MedGen C0677776, MeSH D061325, MONDO:0003582. Disease mechanism: loss of function.
Hereditary cancer-predisposing syndrome. Also called: Neoplastic Syndromes, Hereditary; Hereditary Cancer Syndrome; Tumor predisposition; Hereditary neoplastic syndrome. Identifiers: Orphanet 140162, MedGen C0027672, MeSH D009386, MONDO:0015356.

Submissions (2):

University of Washington Department of Laboratory Medicine, University of Washington
Classification: Likely benign for Hereditary cancer-predisposing syndrome. Last evaluated: 2023-03-23. Review status: criteria provided, single submitter. Criteria: Dines et al. (Genet Med. 2020). Collection method: curation. Allele origin: germline.
Comment: Missense variant in a coldspot region where missense variants are very unlikely to be pathogenic (PMID:31911673).

BRCA1 coldspot (exon 11 using historical exon numbering). Reclassification based on statistical prior probability

Labcorp Genetics (formerly Invitae), Labcorp
Classification: Uncertain significance for Hereditary breast ovarian cancer syndrome. Last evaluated: 2021-08-24. Review status: criteria provided, single submitter. Criteria: Invitae Variant Classification Sherloc (09022015). Collection method: clinical testing. Allele origin: germline.
Comment: This sequence change replaces leucine with phenylalanine at codon 758 of the BRCA1 protein (p.Leu758Phe). The leucine residue is moderately conserved and there is a small physicochemical difference between leucine and phenylalanine. This variant is not present in population databases (ExAC no frequency). This variant has not been reported in the literature in individuals with BRCA1-related conditions. Algorithms developed to predict the effect of missense changes on protein structure and function (SIFT, PolyPhen-2, Align-GVGD) all suggest that this variant is likely to be tolerated, but these predictions have not been confirmed by published functional studies and their clinical significance is uncertain. In summary, the available evidence is currently insufficient to determine the role of this variant in disease. Therefore, it has been classified as a Variant of Uncertain Significance.

NM_007294.4(BRCA1):c.2274G>T (p.Leu758Phe)

Gene: BRCA1 (BRCA1 DNA repair associated; minus strand). Cytogenetic location: 17q21.31.
Variant type: single nucleotide variant.
Coding change: c.2274G>T on transcript NM_007294.4 (MANE Select); coding-DNA position 2274, G replaced by T.
Protein change: p.Leu758Phe; replaces leucine 758 with phenylalanine.
Molecular consequence: missense variant. On other transcripts: intron variant (137).
Genome position (GRCh38, 1-based): chr17:43,093,257, C>A on the plus strand (G>T on the coding strand, the complement: BRCA1 is on the minus strand). VCF-style: chr17-43093257-C-A. GRCh37 (hg19) VCF-style: chr17-41245274-C-A.
Other names: c.2064G>T, p.Leu688Phe (NM_001407902.1, NM_001407904.1, NM_001407906.1 and 13 more transcripts); c.2061G>T, p.Leu687Phe (NM_001407915.1, NM_001407916.1, NM_001407917.1 and 9 more transcripts); c.2151G>T, p.Leu717Phe (NM_001407919.1, NM_001407937.1, NM_001407938.1 and 19 more transcripts); c.2010G>T, p.Leu670Phe (NM_001407920.1, NM_001407921.1, NM_001407922.1 and 9 more transcripts); c.2007G>T, p.Leu669Phe (NM_001407930.1, NM_001407931.1, NM_001407932.1 and 2 more transcripts); c.2148G>T, p.Leu716Phe (NM_001407940.1, NM_001407941.1, NM_001407649.1 and 11 more transcripts); c.2133G>T, p.Leu711Phe (NM_001407942.1, NM_001407944.1, NM_001407945.1 and 29 more transcripts); c.2130G>T, p.Leu710Phe (NM_001407943.1, NM_001407964.1, NM_001407740.1 and 20 more transcripts); and 41 more; short protein forms L711F, L758F, L631F, L646F, L669F, L688F, L716F, L462F.
Identifiers: ClinVar variation 854873 (VCV000854873.13), dbSNP rs876660823, ClinGen allele CA10597451.
Genomic context (GRCh38, chr17:43,093,257, plus strand): 5'-GCCATAATCAGTACCAGGTACCAATGAAATACTGCTACTCTCTACAGATCTTTCAGTTTG[C>A]AAAACCCTTTCTCCACTTAACATGAGATCTTTGGGGTCTTCAGCATTATTAGACACTTTA-3'
Protein context (NP_009225.1, residues 748-768): KDLMLSGERV[Leu758Phe]QTERSVESSS